The following is an entry in ClinVar:

NM_015107.3(PHF8):c.2796C>G (p.Ser932=)

Gene: PHF8 (PHD finger protein 8; minus strand). Cytogenetic location: Xp11.22.
Variant type: single nucleotide variant.
Coding change: c.2796C>G on transcript NM_015107.3 (MANE Select); coding-DNA position 2796, C replaced by G.
Protein change: p.Ser932=; no amino-acid change (serine 932 retained).
Molecular consequence: synonymous variant.
Genome position (GRCh38, 1-based): chrX:53,940,370, G>C on the plus strand (C>G on the coding strand, the complement: PHF8 is on the minus strand). VCF-style: chrX-53940370-G-C. GRCh37 (hg19) VCF-style: chrX-53966803-G-C.
Other names: c.2904C>G, p.Ser968= (NM_001184896.1); c.2493C>G, p.Ser831= (NM_001184897.2).
Identifiers: ClinVar variation 2660639 (VCV002660639.24), dbSNP rs1557083099, ClinGen allele CA516689250.
Genomic context (GRCh38, chrX:53,940,370, plus strand): 5'-ATGGTCAGCGAGACTTCCTGACAGGGCCTCTTGTTTAGGCTCAGGAGGAGGCAGGGGTGA[G>C]GAGGAGGTGACAAGTTGTGGTGTGGCAGCCACAGTGGGGGCTGGTACTGTCAGACTGAGA-3'
Protein context (NP_055922.1, residues 922-942): VAATPQLVTS[Ser932=]SPLPPPEPKQ

ClinVar aggregate classification (germline): Likely benign (1 of 4 stars; one submission).

Allele frequency attached by ClinVar (database versions not stated): gnomAD exomes below 0.00001.
gnomAD v4.1: 3 of 1,208,519 alleles (0.00025%); highest among the groups gnomAD compares: Middle Eastern, 0.046%; no homozygotes.

Submission:

CeGaT Center for Human Genetics Tuebingen
Classification: Likely benign. Last evaluated: 2023-02-01. Review status: criteria provided, single submitter. Criteria: CeGaT Center For Human Genetics Tuebingen Variant Classification Criteria Version 2. Collection method: clinical testing. Allele origin: germline. Affected: yes. Observed: 1 variant allele.
Comment: PHF8: BP4, BP7